The following is an entry in ClinVar:

ClinVar aggregate classification (germline): Uncertain significance (1 of 4 stars; one submission).

Submission:

Ambry Genetics
Classification: Uncertain significance. Last evaluated: 2026-08-31. Review status: criteria provided, single submitter. Criteria: Ambry Variant Classification Scheme 2023. Collection method: clinical testing. Allele origin: germline.
Comment: The p.V686M variant (also known as c.2056G>A) is located in coding exon 12 of the ATRIP gene. The valine at codon 686 is replaced by methionine, an amino acid with highly similar properties. This change occurs in the first base pair of coding exon 12. This amino acid position is conserved. In addition, this alteration is predicted to be tolerated by in silico analysis. Based on the available evidence, the clinical significance of this variant remains unclear.

NM_130384.3(ATRIP):c.2056G>A (p.Val686Met)

Genes: ATRIP (ATR interacting protein; plus strand), ATRIP-TREX1 (ATRIP-TREX1 readthrough; plus strand). Cytogenetic location: 3p21.31.
Variant type: single nucleotide variant.
Coding change: c.2056G>A on transcript NM_130384.3 (MANE Select); coding-DNA position 2056, G replaced by A.
Protein change: p.Val686Met; replaces valine 686 with methionine.
Molecular consequence: missense variant. On other transcripts: non-coding transcript variant (1).
Genome position (GRCh38, 1-based): chr3:48,464,831, G>A. VCF-style: chr3-48464831-G-A. GRCh37 (hg19) VCF-style: chr3-48506230-G-A.
Other names: c.1675G>A, p.Val559Met (NM_001271022.2); c.1777G>A, p.Val593Met (NM_001271023.2); c.1975G>A, p.Val659Met (NM_032166.4); short protein forms V593M, V659M, V686M, V559M.
Identifiers: ClinVar variation 5032476 (VCV005032476.1).